The following is an entry in ClinVar:

NM_012448.4(STAT5B):c.721C>T (p.Arg241Trp)

Gene: STAT5B (signal transducer and activator of transcription 5B; minus strand). Cytogenetic location: 17q21.2.
Variant type: single nucleotide variant.
Coding change: c.721C>T on transcript NM_012448.4 (MANE Select); coding-DNA position 721, C replaced by T.
Protein change: p.Arg241Trp; replaces arginine 241 with tryptophan.
Molecular consequence: missense variant.
Genome position (GRCh38, 1-based): chr17:42,219,424, G>A on the plus strand (C>T on the coding strand, the complement: STAT5B is on the minus strand). VCF-style: chr17-42219424-G-A. GRCh37 (hg19) VCF-style: chr17-40371442-G-A.
Other names: short protein forms R241W.
Identifiers: ClinVar variation 1046567 (VCV001046567.9), dbSNP rs1418454797, ClinGen allele CA399587667.

ClinVar aggregate classification (germline): Uncertain significance (1 of 4 stars; one submission).

Conditions:
Growth hormone insensitivity with immune dysregulation 1, autosomal recessive. Also called: GROWTH HORMONE INSENSITIVITY SYNDROME WITH IMMUNE DYSREGULATION 1, AUTOSOMAL RECESSIVE; GROWTH HORMONE INSENSITIVITY DUE TO POSTRECEPTOR DEFECT; LARON SYNDROME DUE TO POSTRECEPTOR DEFECT; Laron syndrome with immunodeficiency. Identifiers: Orphanet 220465, MedGen C5435698, MONDO:0100211, OMIM 245590.

Allele frequency attached by ClinVar (database versions not stated): gnomAD exomes below 0.00001 and 0.00001.

Submission:

Labcorp Genetics (formerly Invitae), Labcorp
Classification: Uncertain significance for Growth hormone insensitivity with immune dysregulation 1, autosomal recessive. Last evaluated: 2020-01-20. Review status: criteria provided, single submitter. Criteria: Invitae Variant Classification Sherloc (09022015). Collection method: clinical testing. Allele origin: germline.
Comment: In summary, the available evidence is currently insufficient to determine the role of this variant in disease. Therefore, it has been classified as a Variant of Uncertain Significance. Algorithms developed to predict the effect of missense changes on protein structure and function are either unavailable or do not agree on the potential impact of this missense change (SIFT: "Deleterious"; PolyPhen-2: "Probably Damaging"; Align-GVGD: "Class C0"). This variant has not been reported in the literature in individuals with STAT5B-related conditions. The frequency data for this variant in the population databases is considered unreliable, as metrics indicate insufficient coverage at this position in the ExAC database. This sequence change replaces arginine with tryptophan at codon 241 of the STAT5B protein (p.Arg241Trp). The arginine residue is highly conserved and there is a moderate physicochemical difference between arginine and tryptophan.